The following is an entry in ClinVar:

NM_003738.5(PTCH2):c.3363A>G (p.Ile1121Met)

Gene: PTCH2 (patched 2; minus strand). Cytogenetic location: 1p34.1.
Variant type: single nucleotide variant.
Coding change: c.3363A>G on transcript NM_003738.5 (MANE Select); coding-DNA position 3363, A replaced by G.
Protein change: p.Ile1121Met; replaces isoleucine 1121 with methionine.
Molecular consequence: missense variant.
Genome position (GRCh38, 1-based): chr1:44,822,664, T>C on the plus strand (A>G on the coding strand, the complement: PTCH2 is on the minus strand). VCF-style: chr1-44822664-T-C. GRCh37 (hg19) VCF-style: chr1-45288336-T-C.
Other names: c.3363A>G, p.Ile1121Met (NM_001166292.2); short protein forms I1121M.
Identifiers: ClinVar variation 415451 (VCV000415451.28), dbSNP rs11573598, ClinGen allele CA822699.

ClinVar aggregate classification (germline): Benign/Likely benign. Review status: criteria provided, multiple submitters, no conflicts (2 of 4 stars). 5 submissions from 5 submitters: Benign (1); Likely benign (4). Last evaluated 2026-01-11.

Conditions:
Medulloblastoma (MDB). Also called: MEDULLOBLASTOMA PREDISPOSITION SYNDROME; Medulloblastoma, somatic. Identifiers: Orphanet 616, MedGen C0025149, MeSH D008527, MONDO:0007959, OMIM 155255, HP:0002885.
Basal cell carcinoma, susceptibility to, 1. Also called: BCC1. Identifiers: MedGen C2751544, MONDO:0011556, OMIM 605462.
Gorlin syndrome. Also called: Nevoid Basal Cell Carcinoma Syndrome; Basal cell nevus syndrome. Identifiers: Orphanet 377, MedGen C0004779, MONDO:0007187.

Allele frequency attached by ClinVar (database versions not stated): gnomAD exomes 0.00017 and 0.00036; ExAC 0.00046; 1000 Genomes Project 0.00100; 1000 Genomes Project 30x 0.00125; gnomAD 0.00146 and 0.00155; TOPMed 0.00163; ESP Exome Variant Server 0.00208.
gnomAD v4.1: 482 of 1,613,800 alleles (0.03%); highest among the groups gnomAD compares: African/African-American, 0.56%; no homozygotes.

Submissions (5):

Labcorp Genetics (formerly Invitae), Labcorp
Classification: Benign for Gorlin syndrome. Last evaluated: 2026-01-11. Review status: criteria provided, single submitter. Criteria: Invitae Variant Classification Sherloc (09022015). Collection method: clinical testing. Allele origin: germline.

CeGaT Center for Human Genetics Tuebingen
Classification: Likely benign. Last evaluated: 2024-11-01. Review status: criteria provided, single submitter. Criteria: CeGaT Center For Human Genetics Tuebingen Variant Classification Criteria Version 2. Collection method: clinical testing. Allele origin: germline. Affected: yes. Observed: 1 variant allele.
Comment: PTCH2: BP4, BS1

Blueprint Genetics
Classification: Likely benign. Last evaluated: 2024-09-23. Review status: criteria provided, single submitter. Criteria: ACMG Guidelines, 2015. Collection method: clinical testing. Allele origin: germline.

Fulgent Genetics
Classification: Likely benign for Basal cell nevus syndrome 1; Medulloblastoma; Basal cell carcinoma, susceptibility to, 1. Last evaluated: 2021-11-11. Review status: criteria provided, single submitter. Criteria: ACMG Guidelines, 2015. Collection method: clinical testing. Allele origin: unknown.

GeneDx
Classification: Likely benign. Last evaluated: 2020-12-18. Review status: criteria provided, single submitter. Criteria: GeneDx Variant Classification Process June 2021. Collection method: clinical testing. Allele origin: germline. Affected: yes.
Comment: In silico analysis supports that this missense variant does not alter protein structure/function; Has not been previously published as pathogenic or benign to our knowledge